The following is an entry in ClinVar:

NM_002693.3(POLG):c.2733T>G (p.His911Gln)

Gene: POLG (DNA polymerase gamma, catalytic subunit; minus strand). Cytogenetic location: 15q26.1.
Variant type: single nucleotide variant.
Coding change: c.2733T>G on transcript NM_002693.3 (MANE Select); coding-DNA position 2733, T replaced by G.
Protein change: p.His911Gln; replaces histidine 911 with glutamine.
Molecular consequence: missense variant.
Genome position (GRCh38, 1-based): chr15:89,321,126, A>C on the plus strand (T>G on the coding strand, the complement: POLG is on the minus strand). VCF-style: chr15-89321126-A-C. GRCh37 (hg19) VCF-style: chr15-89864357-A-C.
Other names: c.2733T>G, p.His911Gln (NM_001126131.2); short protein forms H911Q.
Identifiers: ClinVar variation 392282 (VCV000392282.6), dbSNP rs1057524425, ClinGen allele CA16607900.

ClinVar aggregate classification (germline): Uncertain significance. Review status: criteria provided, multiple submitters, no conflicts (2 of 4 stars). 2 submissions from 2 submitters: Uncertain significance (2). Last evaluated 2016-12-27.

Submissions (2):

Eurofins Ntd Llc (ga)
Classification: Uncertain significance. Last evaluated: 2016-12-27. Review status: criteria provided, single submitter. Criteria: EGL Classification Definitions 2015. Collection method: clinical testing. Allele origin: germline. Observed: 1 variant allele, 1 heterozygote.

GeneDx
Classification: Uncertain significance. Last evaluated: 2016-12-20. Review status: criteria provided, single submitter. Criteria: GeneDx Variant Classification (06012015). Collection method: clinical testing. Allele origin: germline. Affected: yes.
Comment: The H911Q variant in the POLG gene has not been reported previously as a pathogenic variant, nor as a benign variant, to our knowledge. The H911Q variant was not observed in approximately 6500 individuals of European and African American ancestry in the NHLBI Exome Sequencing Project, indicating it is not a common benign variant in these populations. The H911Q variant is a semi-conservative amino acid substitution, which may impact secondary protein structure as these residues differ in some properties. This substitution occurs at a position that is conserved across species. In silico analysis predicts this variant is probably damaging to the protein structure/function. We interpret H911Q as a variant of uncertain significance